The following is an entry in ClinVar:

ClinVar aggregate classification (germline): Conflicting classifications of pathogenicity. Review status: criteria provided, conflicting classifications (1 of 4 stars). 5 submissions from 5 submitters: Uncertain significance (3); Benign (1); Likely benign (1). Last evaluated 2025-12-17.

Conditions:
Birt-Hogg-Dube syndrome 1 (BHD1). Also called: FIBROFOLLICULOMAS WITH TRICHODISCOMAS AND ACROCHORDONS. Identifiers: Orphanet 122, MedGen CN375946, MONDO:0800445, OMIM 135150.
Birt-Hogg-Dube syndrome. Also called: Birt Hogg Dubé syndrome. Identifiers: Orphanet 122, MedGen C0346010, MONDO:0800444.
Hereditary cancer-predisposing syndrome. Also called: Neoplastic Syndromes, Hereditary; Hereditary neoplastic syndrome; Tumor predisposition; Hereditary Cancer Syndrome. Identifiers: Orphanet 140162, MedGen C0027672, MeSH D009386, MONDO:0015356.
Familial spontaneous pneumothorax (PSP). Identifiers: Orphanet 2903, MedGen C1868193, MONDO:0008259, OMIM 173600.
Colorectal cancer. Also called: Colorectal cancer, somatic; Malignant Colorectal Neoplasm. Identifiers: MedGen C0346629, MONDO:0005575, OMIM 114500.
Nonpapillary renal cell carcinoma. Identifiers: Orphanet 422526, MedGen CN074294, MONDO:0007763, OMIM 144700.

Allele frequency attached by ClinVar (database versions not stated): gnomAD exomes below 0.00001 and 0.00001; ExAC 0.00002; gnomAD 0.00003 and 0.00005; TOPMed 0.00006.
gnomAD v4.1: 11 of 1,614,110 alleles (0.00068%); highest among the groups gnomAD compares: African/African-American, 0.013%; no homozygotes.

Submissions (5):

Labcorp Genetics (formerly Invitae), Labcorp
Classification: Uncertain significance for Birt-Hogg-Dube syndrome. Last evaluated: 2025-12-17. Review status: criteria provided, single submitter. Criteria: Invitae Variant Classification Sherloc (09022015). Collection method: clinical testing. Allele origin: germline.
Comment: This sequence change replaces glutamic acid, which is acidic and polar, with lysine, which is basic and polar, at codon 318 of the FLCN protein (p.Glu318Lys). This variant is present in population databases (rs756787389, gnomAD 0.01%). This variant has not been reported in the literature in individuals affected with FLCN-related conditions. ClinVar contains an entry for this variant (Variation ID: 530001). An algorithm developed to predict the effect of missense changes on protein structure and function (PolyPhen-2) suggests that this variant is likely to be tolerated. In summary, the available evidence is currently insufficient to determine the role of this variant in disease. Therefore, it has been classified as a Variant of Uncertain Significance.

Myriad Genetics, Inc.
Classification: Likely benign for Birt-Hogg-Dube syndrome 1. Last evaluated: 2024-08-30. Review status: criteria provided, single submitter. Criteria: Myriad Autosomal Dominant, Autosomal Recessive and X-Linked Classification Criteria (2023). Collection method: clinical testing. Allele origin: unknown.
Comment: This variant is considered likely benign. This variant has been observed at a population frequency that is significantly greater than expected given the associated disease prevalence and penetrance.

Fulgent Genetics
Classification: Uncertain significance for Colorectal cancer; Birt-Hogg-Dube syndrome 1; Nonpapillary renal cell carcinoma; Familial spontaneous pneumothorax. Last evaluated: 2024-04-25. Review status: criteria provided, single submitter. Criteria: ACMG Guidelines, 2015. Collection method: clinical testing. Allele origin: germline.

Ambry Genetics
Classification: Benign for Hereditary cancer-predisposing syndrome. Last evaluated: 2024-02-09. Review status: criteria provided, single submitter. Criteria: Ambry Variant Classification Scheme 2023. Collection method: clinical testing. Allele origin: germline.

GeneDx
Classification: Uncertain significance. Last evaluated: 2022-12-28. Review status: criteria provided, single submitter. Criteria: GeneDx Variant Classification Process June 2021. Collection method: clinical testing. Allele origin: germline. Affected: yes.
Comment: Not observed at significant frequency in large population cohorts (gnomAD); In silico analysis supports that this missense variant does not alter protein structure/function; Has not been previously published as pathogenic or benign to our knowledge

NM_144997.7(FLCN):c.952G>A (p.Glu318Lys)

Gene: FLCN (folliculin; minus strand). Cytogenetic location: 17p11.2.
Variant type: single nucleotide variant.
Coding change: c.952G>A on transcript NM_144997.7 (MANE Select); coding-DNA position 952, G replaced by A.
Protein change: p.Glu318Lys; replaces glutamic acid 318 with lysine.
Molecular consequence: missense variant.
Genome position (GRCh38, 1-based): chr17:17,219,129, C>T on the plus strand (G>A on the coding strand, the complement: FLCN is on the minus strand). VCF-style: chr17-17219129-C-T. GRCh37 (hg19) VCF-style: chr17-17122443-C-T.
Other names: c.952G>A (LRG_325t1); c.1006G>A, p.Glu336Lys (NM_001353229.2); c.952G>A, p.Glu318Lys (NM_001353230.2, NM_001353231.2); short protein forms E318K, E336K.
Identifiers: ClinVar variation 530001 (VCV000530001.15), dbSNP rs756787389, ClinGen allele CA8416189.